The following is an entry in ClinVar:

NM_002971.6(SATB1):c.1630A>G (p.Thr544Ala)

Gene: SATB1 (SATB homeobox 1; minus strand). Cytogenetic location: 3p24.3.
Variant type: single nucleotide variant.
Coding change: c.1630A>G on transcript NM_002971.6 (MANE Select); coding-DNA position 1630, A replaced by G.
Protein change: p.Thr544Ala; replaces threonine 544 with alanine.
Molecular consequence: missense variant.
Genome position (GRCh38, 1-based): chr3:18,352,141, T>C on the plus strand (A>G on the coding strand, the complement: SATB1 is on the minus strand). VCF-style: chr3-18352141-T-C. GRCh37 (hg19) VCF-style: chr3-18393633-T-C.
Other names: c.1630A>G, p.Thr544Ala (NM_001131010.4, NM_001195470.3, NM_001322871.2 and 4 more transcripts); c.1414A>G, p.Thr472Ala (NM_001322876.2); short protein forms T472A, T544A.
Identifiers: ClinVar variation 3255504 (VCV003255504.1), dbSNP rs2470412889.

ClinVar aggregate classification (germline): Uncertain significance (1 of 4 stars; one submission).

Conditions:
Developmental delay with dysmorphic facies and dental anomalies. Identifiers: MedGen C5543197, MONDO:0030988, OMIM 619228.
Kohlschutter-Tonz syndrome-like. Also called: DEN HOED-DE BOER-VOISIN SYNDROME. Identifiers: MedGen C5543202, MONDO:0030990, OMIM 619229.

Submission:

University of Washington Department of Laboratory Medicine, University of Washington
Classification: Uncertain significance for Developmental delay with dysmorphic facies and dental anomalies; Kohlschutter-Tonz syndrome-like. Last evaluated: 2023-08-25. Review status: criteria provided, single submitter. Criteria: ACMG Guidelines, 2015. Collection method: clinical testing. Allele origin: de novo. Affected: yes.
Comment: To the best of our knowledge, disease-causing SATB1 variants have not been previously described in the mosaic state in affected individuals. The p.Thr544Ala variant has not been previously reported in association with disease and was absent from large population databases, including the Genome Aggregation Database. The p.Thr544Ala variant is located in the CUT2 DNA-binding domain of the SATB1 protein. Other disease-causing variants have been described in this domain and result increased transcriptional repression of downstream targets and are associated with a more severe phenotype (den Hoed 2021). The SATB1 gene has fewer missense variants in the general population than expected. A low rate of missense variation may suggest that this gene is intolerant to missense variation. In silico tools do not consistently predict if the p.Thr544Ala variant impacts protein function; however, these predictions have not been tested directly. Using ACMG guidelines and taking into account uncertainty regarding the tissue-specific nature of mosaic variants, this variant was classified as a variant of uncertain significance (ACMG evidence codes used: PS2_supporting, PM1, PM2_supporting, PP2).